The following is an entry in ClinVar:

NM_001297.5(CNGB1):c.1778C>G (p.Ser593Cys)

Gene: CNGB1 (cyclic nucleotide gated channel subunit beta 1; minus strand). Cytogenetic location: 16q21.
Variant type: single nucleotide variant.
Coding change: c.1778C>G on transcript NM_001297.5 (MANE Select); coding-DNA position 1778, C replaced by G.
Protein change: p.Ser593Cys; replaces serine 593 with cysteine.
Molecular consequence: missense variant.
Genome position (GRCh38, 1-based): chr16:57,920,410, G>C on the plus strand (C>G on the coding strand, the complement: CNGB1 is on the minus strand). VCF-style: chr16-57920410-G-C. GRCh37 (hg19) VCF-style: chr16-57954314-G-C.
Other names: c.1760C>G, p.Ser587Cys (NM_001286130.2); short protein forms S587C, S593C.
Identifiers: ClinVar variation 1416784 (VCV001416784.6), dbSNP rs2149366477, ClinGen allele CA396066192.
Genomic context (GRCh38, chr16:57,920,410, plus strand): 5'-CCCCATCCAGGTAGACCCCCTCCAGCTCCAGACTCACAGGGCTTGGGGCTCTCCTCATCA[G>C]AGGTGACGTCAGGGTCAATGAGTTTCTCCTTCACTTTCTCTGTCCGCTCCTTGAAGAGCT-3'
Protein context (NP_001288.3, residues 583-603): KEKLIDPDVT[Ser593Cys]DEESPKPSPA

ClinVar aggregate classification (germline): Uncertain significance (1 of 4 stars; one submission).

gnomAD v4.1: 2 of 1,614,204 alleles (0.00012%); highest among the groups gnomAD compares: Non-Finnish European, 0.00017%; no homozygotes.

Submission:

Labcorp Genetics (formerly Invitae), Labcorp
Classification: Uncertain significance. Last evaluated: 2022-06-27. Review status: criteria provided, single submitter. Criteria: Invitae Variant Classification Sherloc (09022015). Collection method: clinical testing. Allele origin: germline.
Comment: In summary, the available evidence is currently insufficient to determine the role of this variant in disease. Therefore, it has been classified as a Variant of Uncertain Significance. Advanced modeling of protein sequence and biophysical properties (such as structural, functional, and spatial information, amino acid conservation, physicochemical variation, residue mobility, and thermodynamic stability) performed at Invitae indicates that this missense variant is expected to disrupt CNGB1 protein function. This variant has not been reported in the literature in individuals affected with CNGB1-related conditions. This variant is not present in population databases (gnomAD no frequency). This sequence change replaces serine, which is neutral and polar, with cysteine, which is neutral and slightly polar, at codon 593 of the CNGB1 protein (p.Ser593Cys).